The following is an entry in ClinVar:

NM_016239.4(MYO15A):c.3756+5G>T

Gene: MYO15A (myosin XVA; plus strand). Cytogenetic location: 17p11.2.
Variant type: single nucleotide variant.
Coding change: c.3756+5G>T on transcript NM_016239.4 (MANE Select); 5 bases into the intron after coding-DNA position 3756, G replaced by T.
Molecular consequence: intron variant.
Genome position (GRCh38, 1-based): chr17:18,125,236, G>T. VCF-style: chr17-18125236-G-T. GRCh37 (hg19) VCF-style: chr17-18028550-G-T.
Identifiers: ClinVar variation 1801900 (VCV001801900.1), dbSNP rs2545202202, ClinGen allele CA2580092633.

ClinVar aggregate classification (germline): Uncertain significance (1 of 4 stars; one submission).

Submission:

GeneDx
Classification: Uncertain significance. Last evaluated: 2022-06-01. Review status: criteria provided, single submitter. Criteria: GeneDx Variant Classification Process June 2021. Collection method: clinical testing. Allele origin: germline. Affected: yes.
Comment: Not observed at significant frequency in large population cohorts (gnomAD); Has not been previously published as pathogenic or benign to our knowledge; In-silico analysis is inconclusive as to whether the variant alters gene splicing. In the absence of RNA/functional studies, the actual effect of this sequence change is unknown.